The following is an entry in ClinVar:

ClinVar aggregate classification (germline): Likely benign (1 of 4 stars; one submission).

Allele frequency attached by ClinVar (database versions not stated): TOPMed below 0.00001.
gnomAD v4.1: 1 of 1,614,002 alleles (0.000062%); highest among the groups gnomAD compares: South Asian, 0.0011%; no homozygotes.

Submission:

GeneDx
Classification: Likely benign. Last evaluated: 2016-05-11. Review status: criteria provided, single submitter. Criteria: GeneDx Variant Classification (06012015). Collection method: clinical testing. Allele origin: germline. Affected: yes.
Comment: This variant is considered likely benign or benign based on one or more of the following criteria: it is a conservative change, it occurs at a poorly conserved position in the protein, it is predicted to be benign by multiple in silico algorithms, and/or has population frequency not consistent with disease.

NM_001035.3(RYR2):c.5802T>G (p.Ala1934=)

Gene: RYR2 (ryanodine receptor 2; plus strand). Cytogenetic location: 1q43.
Variant type: single nucleotide variant.
Coding change: c.5802T>G on transcript NM_001035.3 (MANE Select); coding-DNA position 5802, T replaced by G.
Protein change: p.Ala1934=; no amino-acid change (alanine 1934 retained).
Molecular consequence: synonymous variant.
Genome position (GRCh38, 1-based): chr1:237,617,372, T>G. VCF-style: chr1-237617372-T-G. GRCh37 (hg19) VCF-style: chr1-237780672-T-G.
Other names: c.5802T>G, p.Ala1934= (LRG_402t1).
Identifiers: ClinVar variation 386099 (VCV000386099.1), dbSNP rs1043607507, ClinGen allele CA16603564.